The following continues an entry in ClinVar:

NM_001099922.3(ALG13):c.183C>T (p.Tyr61=)

Gene: ALG13. ClinVar aggregate classification (germline): Benign. Benign (6).

Submissions 68 to 83 of 83:

Dr. Peter K. Rogan Lab, Western University
No classification provided (evidence only). Condition: Adrenocortical carcinoma, hereditary. Review status: no classification provided. Collection method: in vitro. Allele origin: not applicable. Functional consequence: retained intron. Not counted in ClinVar's aggregate classification.

Dr. Peter K. Rogan Lab, Western University
No classification provided (evidence only). Condition: Adrenocortical carcinoma, hereditary. Review status: no classification provided. Collection method: in vitro. Allele origin: not applicable. Functional consequence: retained intron. Not counted in ClinVar's aggregate classification.

Dr. Peter K. Rogan Lab, Western University
No classification provided (evidence only). Condition: Uveal melanoma. Review status: no classification provided. Collection method: in vitro. Allele origin: not applicable. Functional consequence: retained intron. Not counted in ClinVar's aggregate classification.

Dr. Peter K. Rogan Lab, Western University
No classification provided (evidence only). Condition: Malignant tumor of esophagus. Review status: no classification provided. Collection method: in vitro. Allele origin: not applicable. Functional consequence: retained intron. Not counted in ClinVar's aggregate classification.

Dr. Peter K. Rogan Lab, Western University
No classification provided (evidence only). Condition: Malignant tumor of esophagus. Review status: no classification provided. Collection method: in vitro. Allele origin: not applicable. Functional consequence: retained intron. Not counted in ClinVar's aggregate classification.

Dr. Peter K. Rogan Lab, Western University
No classification provided (evidence only). Condition: Malignant tumor of esophagus. Review status: no classification provided. Collection method: in vitro. Allele origin: not applicable. Functional consequence: retained intron. Not counted in ClinVar's aggregate classification.

Dr. Peter K. Rogan Lab, Western University
No classification provided (evidence only). Condition: Chronic lymphocytic leukemia/small lymphocytic lymphoma. Review status: no classification provided. Collection method: in vitro. Allele origin: not applicable. Functional consequence: skipped exon, retained intron. Not counted in ClinVar's aggregate classification.

Dr. Peter K. Rogan Lab, Western University
No classification provided (evidence only). Condition: Familial pancreatic carcinoma. Review status: no classification provided. Collection method: in vitro. Allele origin: not applicable. Functional consequence: retained intron. Not counted in ClinVar's aggregate classification.

Dr. Peter K. Rogan Lab, Western University
No classification provided (evidence only). Condition: Familial pancreatic carcinoma. Review status: no classification provided. Collection method: in vitro. Allele origin: not applicable. Functional consequence: retained intron. Not counted in ClinVar's aggregate classification.

Dr. Peter K. Rogan Lab, Western University
No classification provided (evidence only). Condition: Lymphoma. Review status: no classification provided. Collection method: in vitro. Allele origin: not applicable. Functional consequence: retained intron. Not counted in ClinVar's aggregate classification.

Dr. Peter K. Rogan Lab, Western University
No classification provided (evidence only). Condition: Lymphoma. Review status: no classification provided. Collection method: in vitro. Allele origin: not applicable. Functional consequence: retained intron. Not counted in ClinVar's aggregate classification.

Dr. Peter K. Rogan Lab, Western University
No classification provided (evidence only). Condition: Lymphoma. Review status: no classification provided. Collection method: in vitro. Allele origin: not applicable. Functional consequence: retained intron. Not counted in ClinVar's aggregate classification.

Dr. Peter K. Rogan Lab, Western University
No classification provided (evidence only). Condition: Lymphoma. Review status: no classification provided. Collection method: in vitro. Allele origin: not applicable. Functional consequence: retained intron. Not counted in ClinVar's aggregate classification.

Dr. Peter K. Rogan Lab, Western University
No classification provided (evidence only). Condition: Lymphoma. Review status: no classification provided. Collection method: in vitro. Allele origin: not applicable. Functional consequence: retained intron. Not counted in ClinVar's aggregate classification.

Dr. Peter K. Rogan Lab, Western University
No classification provided (evidence only). Condition: Ovarian cancer. Review status: no classification provided. Collection method: in vitro. Allele origin: not applicable. Functional consequence: retained intron. Not counted in ClinVar's aggregate classification.

Dr. Peter K. Rogan Lab, Western University
No classification provided (evidence only). Condition: Ovarian cancer. Review status: no classification provided. Collection method: in vitro. Allele origin: not applicable. Functional consequence: retained intron. Not counted in ClinVar's aggregate classification.